The following is an entry in ClinVar:

ClinVar aggregate classification (germline): Uncertain significance (1 of 4 stars; one submission).

Conditions:
Pulmonary fibrosis and/or bone marrow failure, Telomere-related, 3. Also called: PULMONARY FIBROSIS AND/OR BONE MARROW FAILURE SYNDROME, TELOMERE-RELATED, 3. Identifiers: Orphanet 2032, MedGen C4225346, MONDO:0014613, OMIM 616373.
Dyskeratosis congenita, autosomal recessive 5 (DKCB5). Identifiers: MedGen C3554656, MONDO:0014076, OMIM 615190.

Allele frequency attached by ClinVar (database versions not stated): TOPMed below 0.00001; gnomAD 0.00001.

Submission:

Labcorp Genetics (formerly Invitae), Labcorp
Classification: Uncertain significance for Dyskeratosis congenita, autosomal recessive 5; Pulmonary fibrosis and/or bone marrow failure, Telomere-related, 3. Last evaluated: 2021-03-26. Review status: criteria provided, single submitter. Criteria: Invitae Variant Classification Sherloc (09022015). Collection method: clinical testing. Allele origin: germline.
Comment: In summary, the available evidence is currently insufficient to determine the role of this variant in disease. Therefore, it has been classified as a Variant of Uncertain Significance. Algorithms developed to predict the effect of sequence changes on RNA splicing suggest that this variant may disrupt the consensus splice site, but this prediction has not been confirmed by published transcriptional studies. Algorithms developed to predict the effect of missense changes on protein structure and function (SIFT, PolyPhen-2, Align-GVGD) all suggest that this variant is likely to be disruptive, but these predictions have not been confirmed by published functional studies and their clinical significance is uncertain. This variant has not been reported in the literature in individuals with RTEL1-related conditions. This variant is not present in population databases (ExAC no frequency). This sequence change replaces arginine with glycine at codon 714 of the RTEL1 protein (p.Arg714Gly). The arginine residue is highly conserved and there is a moderate physicochemical difference between arginine and glycine.

NM_001283009.2(RTEL1):c.2140A>G (p.Arg714Gly)

Genes: RTEL1 (regulator of telomere elongation helicase 1; plus strand), RTEL1-TNFRSF6B (RTEL1-TNFRSF6B readthrough (NMD candidate); plus strand). Cytogenetic location: 20q13.33.
Variant type: single nucleotide variant.
Coding change: c.2140A>G on transcript NM_001283009.2 (MANE Select); coding-DNA position 2140, A replaced by G.
Protein change: p.Arg714Gly; replaces arginine 714 with glycine.
Molecular consequence: missense variant. On other transcripts: non-coding transcript variant (1).
Genome position (GRCh38, 1-based): chr20:63,689,864, A>G. VCF-style: chr20-63689864-A-G. GRCh37 (hg19) VCF-style: chr20-62321217-A-G.
Other names: c.1471A>G, p.Arg491Gly (NM_001283010.1); c.2140A>G, p.Arg714Gly (NM_016434.4); c.2212A>G, p.Arg738Gly (NM_032957.5); short protein forms R491G, R738G, R714G.
Identifiers: ClinVar variation 1520157 (VCV001520157.8), dbSNP rs1156625021, ClinGen allele CA409679453.